The following is an entry in ClinVar:

ClinVar aggregate classification (germline): Likely pathogenic (1 of 4 stars; one submission).

Conditions:
Primary ciliary dyskinesia. Also called: Ciliary dyskinesia. Identifiers: Orphanet 244, MedGen C0008780, MONDO:0016575, HP:0012265.

Submission:

Labcorp Genetics (formerly Invitae), Labcorp
Classification: Likely pathogenic for Primary ciliary dyskinesia. Last evaluated: 2023-05-19. Review status: criteria provided, single submitter. Criteria: Invitae Variant Classification Sherloc (09022015). Collection method: clinical testing. Allele origin: germline.
Comment: This sequence change affects a donor splice site in intron 14 of the DNAH5 gene. It is expected to disrupt RNA splicing. Variants that disrupt the donor or acceptor splice site typically lead to a loss of protein function (PMID: 16199547), and loss-of-function variants in DNAH5 are known to be pathogenic (PMID: 11788826, 16627867). This variant is not present in population databases (gnomAD no frequency). This variant has not been reported in the literature in individuals affected with DNAH5-related conditions. Algorithms developed to predict the effect of sequence changes on RNA splicing suggest that this variant may disrupt the consensus splice site. In summary, the currently available evidence indicates that the variant is pathogenic, but additional data are needed to prove that conclusively. Therefore, this variant has been classified as Likely Pathogenic.

Literature cited by the submitters: PubMed 16199547; PubMed 11788826; PubMed 16627867.

NM_001369.3(DNAH5):c.2052+2T>C

Gene: DNAH5 (dynein axonemal heavy chain 5; minus strand). Cytogenetic location: 5p15.2.
Variant type: single nucleotide variant.
Coding change: c.2052+2T>C on transcript NM_001369.3 (MANE Select); the canonical splice donor site of the intron after coding-DNA position 2052, T replaced by C.
Molecular consequence: splice donor variant.
Genome position (GRCh38, 1-based): chr5:13,901,250, A>G on the plus strand (T>C on the coding strand, the complement: DNAH5 is on the minus strand). VCF-style: chr5-13901250-A-G. GRCh37 (hg19) VCF-style: chr5-13901359-A-G.
Identifiers: ClinVar variation 2866024 (VCV002866024.3), dbSNP rs2547091584, ClinGen allele CA359204664.